The following is an entry in ClinVar:

NM_002528.7(NTHL1):c.787C>T (p.Pro263Ser)

Gene: NTHL1 (nth like DNA glycosylase 1; minus strand). Cytogenetic location: 16p13.3.
Variant type: single nucleotide variant.
Coding change: c.787C>T on transcript NM_002528.7 (MANE Select); coding-DNA position 787, C replaced by T.
Protein change: p.Pro263Ser; replaces proline 263 with serine.
Molecular consequence: missense variant.
Genome position (GRCh38, 1-based): chr16:2,040,137, G>A on the plus strand (C>T on the coding strand, the complement: NTHL1 is on the minus strand). VCF-style: chr16-2040137-G-A. GRCh37 (hg19) VCF-style: chr16-2090138-G-A.
Other names: c.616C>T, p.Pro206Ser (NM_001318193.2); c.457C>T, p.Pro153Ser (NM_001318194.2); short protein forms P206S, P153S, P263S.
Identifiers: ClinVar variation 1762076 (VCV001762076.2), dbSNP rs2150938186, ClinGen allele CA394288625.

ClinVar aggregate classification (germline): Uncertain significance (1 of 4 stars; one submission).

Conditions:
Hereditary cancer-predisposing syndrome. Also called: Neoplastic Syndromes, Hereditary; Tumor predisposition; Hereditary Cancer Syndrome; Hereditary neoplastic syndrome. Identifiers: Orphanet 140162, MedGen C0027672, MeSH D009386, MONDO:0015356.

Submission:

Ambry Genetics
Classification: Uncertain significance for Hereditary cancer-predisposing syndrome. Last evaluated: 2021-05-01. Review status: criteria provided, single submitter. Criteria: Ambry Variant Classification Scheme 2023. Collection method: clinical testing. Allele origin: germline.
Comment: The p.P271S variant (also known as c.811C>T), located in coding exon 5 of the NTHL1 gene, results from a C to T substitution at nucleotide position 811. The proline at codon 271 is replaced by serine, an amino acid with similar properties. This amino acid position is highly conserved in available vertebrate species. In addition, this alteration is predicted to be deleterious by in silico analysis. Since supporting evidence is limited at this time, the clinical significance of this alteration remains unclear.